The following is an entry in ClinVar:

ClinVar aggregate classification (germline): Likely benign (1 of 4 stars; one submission).

gnomAD v4.1: 9 of 1,500,478 alleles (0.0006%); highest among the groups gnomAD compares: Admixed American, 0.013%; no homozygotes.

Submission:

CeGaT Center for Human Genetics Tuebingen
Classification: Likely benign. Last evaluated: 2026-07-01. Review status: criteria provided, single submitter. Criteria: CeGaT Center For Human Genetics Tuebingen Variant Classification Criteria Version 2. Collection method: clinical testing. Allele origin: germline. Affected: yes. Observed: 1 variant allele.
Comment: ADAT3: BP4, BP7

NM_138422.4(ADAT3):c.501C>T (p.His167=)

Genes: ADAT3 (adenosine deaminase tRNA specific 3; plus strand), SCAMP4 (secretory carrier membrane protein 4; plus strand). Cytogenetic location: 19p13.3.
Variant type: single nucleotide variant.
Coding change: c.501C>T on transcript NM_138422.4 (MANE Select); coding-DNA position 501, C replaced by T.
Protein change: p.His167=; no amino-acid change (histidine 167 retained).
Molecular consequence: synonymous variant. On other transcripts: intron variant (3).
Genome position (GRCh38, 1-based): chr19:1,912,548, C>T. VCF-style: chr19-1912548-C-T. GRCh37 (hg19) VCF-style: chr19-1912547-C-T.
Other names: c.453C>T, p.His151= (NM_001329533.2); c.-41-2431C>T (NM_079834.4, NM_001329540.2); c.-125-5146C>T (NM_001329539.2).
Identifiers: ClinVar variation 5039007 (VCV005039007.1).